The following is an entry in ClinVar:

ClinVar aggregate classification (germline): Likely benign. Review status: criteria provided, multiple submitters, no conflicts (2 of 4 stars). 3 submissions from 3 submitters: Likely benign (2). 1 of the submissions does not count toward it. Last evaluated 2025-10-13.

Conditions:
Primary ciliary dyskinesia. Also called: Ciliary dyskinesia. Identifiers: Orphanet 244, MedGen C0008780, MONDO:0016575, HP:0012265.
DNAAF5-related disorder. Also called: DNAAF5-related condition.

Allele frequency attached by ClinVar (database versions not stated): gnomAD exomes 0.00006 and 0.00007; ExAC 0.00008; ESP Exome Variant Server 0.00023; gnomAD 0.00035 and 0.00036; TOPMed 0.00039; 1000 Genomes Project 0.00080; 1000 Genomes Project 30x 0.00109.
gnomAD v4.1: 138 of 1,613,546 alleles (0.0086%); highest among the groups gnomAD compares: African/African-American, 0.14%; no homozygotes.

Submissions (3):

Labcorp Genetics (formerly Invitae), Labcorp
Classification: Likely benign for Primary ciliary dyskinesia. Last evaluated: 2025-10-13. Review status: criteria provided, single submitter. Criteria: Invitae Variant Classification Sherloc (09022015). Collection method: clinical testing. Allele origin: germline.

Ambry Genetics
Classification: Likely benign for Primary ciliary dyskinesia. Last evaluated: 2022-03-07. Review status: criteria provided, single submitter. Criteria: Ambry Variant Classification Scheme 2023. Collection method: clinical testing. Allele origin: germline.

PreventionGenetics, part of Exact Sciences
Classification: Likely benign for DNAAF5-related condition. Last evaluated: 2023-10-18. Review status: no assertion criteria provided. Collection method: clinical testing. Allele origin: germline. Not counted in ClinVar's aggregate classification.
Comment: This variant is classified as likely benign based on ACMG/AMP sequence variant interpretation guidelines (Richards et al. 2015 PMID: 25741868, with internal and published modifications).

NM_017802.4(DNAAF5):c.1185G>A (p.Thr395=)

Gene: DNAAF5 (dynein axonemal assembly factor 5; plus strand). Cytogenetic location: 7p22.3.
Variant type: single nucleotide variant.
Coding change: c.1185G>A on transcript NM_017802.4 (MANE Select); coding-DNA position 1185, G replaced by A.
Protein change: p.Thr395=; no amino-acid change (threonine 395 retained).
Molecular consequence: synonymous variant. On other transcripts: non-coding transcript variant (1).
Genome position (GRCh38, 1-based): chr7:754,749, G>A. VCF-style: chr7-754749-G-A. GRCh37 (hg19) VCF-style: chr7-794386-G-A.
Identifiers: ClinVar variation 416080 (VCV000416080.16), dbSNP rs139675128, ClinGen allele CA4110623.